The following is an entry in ClinVar:

ClinVar aggregate classification (germline): Uncertain significance (1 of 4 stars; one submission).

Conditions:
Inborn genetic diseases. Identifiers: MedGen C0950123, MeSH D030342.

gnomAD v4.1: 3 of 1,613,966 alleles (0.00019%); highest among the groups gnomAD compares: Non-Finnish European, 0.00025%; no homozygotes.

Submission:

Ambry Genetics
Classification: Uncertain significance for Inborn genetic diseases. Last evaluated: 2026-06-05. Review status: criteria provided, single submitter. Criteria: Ambry Variant Classification Scheme 2023. Collection method: clinical testing. Allele origin: germline.
Comment: The p.L1934Q variant (also known as c.5801T>A), located in coding exon 28 of the CHD7 gene, results from a T to A substitution at nucleotide position 5801. The leucine at codon 1934 is replaced by glutamine, an amino acid with dissimilar properties. This amino acid position is conserved. In addition, the in silico prediction for this alteration is inconclusive. Based on the available evidence, the clinical significance of this variant remains unclear.

NM_017780.4(CHD7):c.5801T>A (p.Leu1934Gln)

Gene: CHD7 (chromodomain helicase DNA binding protein 7; plus strand). Cytogenetic location: 8q12.2.
Variant type: single nucleotide variant.
Coding change: c.5801T>A on transcript NM_017780.4 (MANE Select); coding-DNA position 5801, T replaced by A.
Protein change: p.Leu1934Gln; replaces leucine 1934 with glutamine.
Molecular consequence: missense variant. On other transcripts: intron variant (1).
Genome position (GRCh38, 1-based): chr8:60,852,154, T>A. VCF-style: chr8-60852154-T-A. GRCh37 (hg19) VCF-style: chr8-61764713-T-A.
Other names: c.1717-10075T>A (NM_001316690.1); short protein forms L1934Q.
Identifiers: ClinVar variation 4868897 (VCV004868897.1).